The following is an entry in ClinVar:

NM_000465.4(BARD1):c.1947A>G (p.Glu649=)

Gene: BARD1 (BRCA1 associated RING domain 1; minus strand). Cytogenetic location: 2q35.
Variant type: single nucleotide variant.
Coding change: c.1947A>G on transcript NM_000465.4 (MANE Select); coding-DNA position 1947, A replaced by G.
Protein change: p.Glu649=; no amino-acid change (glutamic acid 649 retained).
Molecular consequence: synonymous variant. On other transcripts: non-coding transcript variant (3).
Genome position (GRCh38, 1-based): chr2:214,730,465, T>C on the plus strand (A>G on the coding strand, the complement: BARD1 is on the minus strand). VCF-style: chr2-214730465-T-C. GRCh37 (hg19) VCF-style: chr2-215595189-T-C.
Other names: c.1890A>G, p.Glu630= (NM_001282543.2); c.594A>G, p.Glu198= (NM_001282545.2); c.537A>G, p.Glu179= (NM_001282548.2); c.408A>G, p.Glu136= (NM_001282549.2).
Identifiers: ClinVar variation 3378455 (VCV003378455.2).
Genomic context (GRCh38, chr2:214,730,465, plus strand): 5'-AAATACCAGCTGTTCTCTGTTGAGCCTGCTTCTGCGTGGACCTTCAGGAATTTCATACTT[T>C]TCTTCCTGTTCACATACTTTTCTTCGTAGACATGCTTTTACCCCTGACAAAAACACAAGA-3'
Protein context (NP_000456.2, residues 639-659): CLRRKVCEQE[Glu649=]KYEIPEGPRR

ClinVar aggregate classification (germline): Benign/Likely benign. Review status: criteria provided, multiple submitters, no conflicts (2 of 4 stars). 2 submissions from 2 submitters: Benign (1); Likely benign (1). Last evaluated 2025-09-29.

Conditions:
Familial cancer of breast. Also called: hereditary breast carcinoma; Hereditary breast cancer; BREAST CANCER, FAMILIAL. Identifiers: Orphanet 227535, MedGen C0346153, MONDO:0016419, OMIM 114480. Disease mechanism: loss of function.

Submissions (2):

Labcorp Genetics (formerly Invitae), Labcorp
Classification: Likely benign for Familial cancer of breast. Last evaluated: 2025-09-29. Review status: criteria provided, single submitter. Criteria: Invitae Variant Classification Sherloc (09022015). Collection method: clinical testing. Allele origin: germline.

Myriad Genetics, Inc.
Classification: Benign for Familial cancer of breast. Last evaluated: 2024-07-29. Review status: criteria provided, single submitter. Criteria: Myriad Autosomal Dominant, Autosomal Recessive and X-Linked Classification Criteria (2023). Collection method: clinical testing. Allele origin: unknown.
Comment: This variant is considered benign. This variant is a silent/synonymous amino acid change and it is not expected to impact splicing.